The following is an entry in ClinVar:

NM_000051.4(ATM):c.2785A>G (p.Met929Val)

Gene: ATM (ATM serine/threonine kinase; plus strand). Cytogenetic location: 11q22.3.
Variant type: single nucleotide variant.
Coding change: c.2785A>G on transcript NM_000051.4 (MANE Select); coding-DNA position 2785, A replaced by G.
Protein change: p.Met929Val; replaces methionine 929 with valine.
Molecular consequence: missense variant.
Genome position (GRCh38, 1-based): chr11:108,268,556, A>G. VCF-style: chr11-108268556-A-G. GRCh37 (hg19) VCF-style: chr11-108139283-A-G.
Other names: c.2785A>G, p.Met929Val (NM_001351834.2); short protein forms M929V.
Identifiers: ClinVar variation 861385 (VCV000861385.12), dbSNP rs774067793, ClinGen allele CA382545582.
Genomic context (GRCh38, chr11:108,268,556, plus strand): 5'-ACTACTGCTCAGACCAATACTGTGTCCTTTAGGGCAGCTGATATTCGGAGGAAATTGTTA[A>G]TGTTAATTGATTCTAGCACGCTAGAACCTACCAAATCCCTCCACCTGCATATGGTGAGTT-3'
Protein context (NP_000042.3, residues 919-939): RAADIRRKLL[Met929Val]LIDSSTLEPT

ClinVar aggregate classification (germline): Uncertain significance. Review status: criteria provided, multiple submitters, no conflicts (2 of 4 stars). 2 submissions from 2 submitters: Uncertain significance (2). Last evaluated 2022-07-26.

Conditions:
Ataxia-telangiectasia syndrome (AT). Also called: Ataxia telangiectasia (A-T); Cerebello-oculocutaneous telangiectasia; Immunodeficiency with ataxia telangiectasia; AT, COMPLEMENTATION GROUP C; ATAXIA-TELANGIECTASIA, COMPLEMENTATION GROUP A; ATAXIA-TELANGIECTASIA, FRESNO VARIANT. Identifiers: Orphanet 100, MedGen C0004135, MONDO:0008840, OMIM 208900.

Submissions (2):

GeneDx
Classification: Uncertain significance. Last evaluated: 2022-07-26. Review status: criteria provided, single submitter. Criteria: GeneDx Variant Classification Process June 2021. Collection method: clinical testing. Allele origin: germline. Affected: yes.
Comment: Not observed at significant frequency in large population cohorts (gnomAD); In silico analysis supports that this missense variant does not alter protein structure/function; Has not been previously published as pathogenic or benign to our knowledge

Labcorp Genetics (formerly Invitae), Labcorp
Classification: Uncertain significance for Ataxia-telangiectasia syndrome. Last evaluated: 2022-07-11. Review status: criteria provided, single submitter. Criteria: Invitae Variant Classification Sherloc (09022015). Collection method: clinical testing. Allele origin: germline.
Comment: In summary, the available evidence is currently insufficient to determine the role of this variant in disease. Therefore, it has been classified as a Variant of Uncertain Significance. Advanced modeling of protein sequence and biophysical properties (such as structural, functional, and spatial information, amino acid conservation, physicochemical variation, residue mobility, and thermodynamic stability) performed at Invitae indicates that this missense variant is not expected to disrupt ATM protein function. ClinVar contains an entry for this variant (Variation ID: 861385). This variant has not been reported in the literature in individuals affected with ATM-related conditions. This variant is not present in population databases (gnomAD no frequency). This sequence change replaces methionine, which is neutral and non-polar, with valine, which is neutral and non-polar, at codon 929 of the ATM protein (p.Met929Val).